The following is an entry in ClinVar:

ClinVar aggregate classification (germline): Benign. Review status: criteria provided, multiple submitters, no conflicts (2 of 4 stars). 4 submissions from 4 submitters: Benign (4). Last evaluated 2026-01-21.

Conditions:
Hyperphosphatasia with impaired intellectual development syndrome 2. Also called: Hyperphosphatasia with intellectual disability syndrome 2; GLYCOSYLPHOSPHATIDYLINOSITOL BIOSYNTHESIS DEFECT 6. Identifiers: Orphanet 247262, MedGen C3553637, MONDO:0013882, OMIM 614749.

Allele frequency attached by ClinVar (database versions not stated): gnomAD 0.00004 and 0.00070; TOPMed 0.00011; gnomAD exomes 0.00231; ExAC 0.00267; 1000 Genomes Project 30x 0.00422; 1000 Genomes Project 0.00459.
gnomAD v4.1: 1,816 of 1,612,562 alleles (0.11%); highest among the groups gnomAD compares: South Asian, 1.8%; 31 homozygotes.

Submissions (4):

Labcorp Genetics (formerly Invitae), Labcorp
Classification: Benign for Hyperphosphatasia with impaired intellectual development syndrome 2. Last evaluated: 2026-01-21. Review status: criteria provided, single submitter. Criteria: Invitae Variant Classification Sherloc (09022015). Collection method: clinical testing. Allele origin: germline.

Illumina Laboratory Services, Illumina
Classification: Benign for Hyperphosphatasia with impaired intellectual development syndrome 2. Last evaluated: 2018-01-13. Review status: criteria provided, single submitter. Criteria: ICSL Variant Classification Criteria 13 December 2019. Collection method: clinical testing. Allele origin: germline.
Comment: This variant was observed in the ICSL laboratory as part of a predisposition screen in an ostensibly healthy population. It had not been previously curated by ICSL or reported in the Human Gene Mutation Database (HGMD: prior to June 1st, 2018), and was therefore a candidate for classification through an automated scoring system. Utilizing variant allele frequency, disease prevalence and penetrance estimates, and inheritance mode, an automated score was calculated to assess if this variant is too frequent to cause the disease. Based on the score and internal cut-off values, a variant classified as benign is not then subjected to further curation. The score for this variant resulted in a classification of benign for this disease.

GeneDx
Classification: Benign. Last evaluated: 2016-08-03. Review status: criteria provided, single submitter. Criteria: GeneDx Variant Classification (06012015). Collection method: clinical testing. Allele origin: germline. Affected: yes.
Comment: This variant is considered likely benign or benign based on one or more of the following criteria: it is a conservative change, it occurs at a poorly conserved position in the protein, it is predicted to be benign by multiple in silico algorithms, and/or has population frequency not consistent with disease.

Genomic Diagnostic Laboratory, Division of Genomic Diagnostics, Children's Hospital of Philadelphia
Classification: Benign. Last evaluated: 2015-03-06. Review status: criteria provided, single submitter. Criteria: DGD Variant Analysis Guidelines. Collection method: clinical testing. Allele origin: unknown.

NM_032634.4(PIGO):c.2198G>A (p.Arg733Gln)

Gene: PIGO (phosphatidylinositol glycan anchor biosynthesis class O; minus strand). Cytogenetic location: 9p13.3.
Variant type: single nucleotide variant.
Coding change: c.2198G>A on transcript NM_032634.4 (MANE Select); coding-DNA position 2198, G replaced by A.
Protein change: p.Arg733Gln; replaces arginine 733 with glutamine.
Molecular consequence: missense variant. On other transcripts: intron variant (2).
Genome position (GRCh38, 1-based): chr9:35,091,689, C>T on the plus strand (G>A on the coding strand, the complement: PIGO is on the minus strand). VCF-style: chr9-35091689-C-T. GRCh37 (hg19) VCF-style: chr9-35091686-C-T.
Other names: c.1345-398G>A (NM_152850.4, NM_001201484.2); short protein forms R733Q.
Identifiers: ClinVar variation 218819 (VCV000218819.15), dbSNP rs373305585, ClinGen allele CA249190.